The following is an entry in ClinVar:

ClinVar aggregate classification (germline): Uncertain significance (1 of 4 stars; one submission).

Allele frequency attached by ClinVar (database versions not stated): ExAC 0.00001; gnomAD exomes 0.00001 and 0.00002; gnomAD 0.00002; TOPMed 0.00002.
gnomAD v4.1: 18 of 1,613,842 alleles (0.0011%); highest among the groups gnomAD compares: Admixed American, 0.0033%; no homozygotes.

Submission:

Labcorp Genetics (formerly Invitae), Labcorp
Classification: Uncertain significance. Last evaluated: 2023-04-12. Review status: criteria provided, single submitter. Criteria: Invitae Variant Classification Sherloc (09022015). Collection method: clinical testing. Allele origin: germline.
Comment: In summary, the available evidence is currently insufficient to determine the role of this variant in disease. Therefore, it has been classified as a Variant of Uncertain Significance. Advanced modeling of protein sequence and biophysical properties (such as structural, functional, and spatial information, amino acid conservation, physicochemical variation, residue mobility, and thermodynamic stability) has been performed at Invitae for this missense variant, however the output from this modeling did not meet the statistical confidence thresholds required to predict the impact of this variant on SCN3A protein function. ClinVar contains an entry for this variant (Variation ID: 949073). This variant has not been reported in the literature in individuals affected with SCN3A-related conditions. This variant is present in population databases (rs752328633, gnomAD 0.01%). This sequence change replaces arginine, which is basic and polar, with glutamine, which is neutral and polar, at codon 378 of the SCN3A protein (p.Arg378Gln).

NM_006922.4(SCN3A):c.1133G>A (p.Arg378Gln)

Gene: SCN3A (sodium voltage-gated channel alpha subunit 3; minus strand). Cytogenetic location: 2q24.3.
Variant type: single nucleotide variant.
Coding change: c.1133G>A on transcript NM_006922.4 (MANE Select); coding-DNA position 1133, G replaced by A.
Protein change: p.Arg378Gln; replaces arginine 378 with glutamine.
Molecular consequence: missense variant.
Genome position (GRCh38, 1-based): chr2:165,155,802, C>T on the plus strand (G>A on the coding strand, the complement: SCN3A is on the minus strand). VCF-style: chr2-165155802-C-T. GRCh37 (hg19) VCF-style: chr2-166012312-C-T.
Other names: c.1133G>A, p.Arg378Gln (NM_001081676.2, NM_001081677.2); short protein forms R378Q.
Identifiers: ClinVar variation 949073 (VCV000949073.9), dbSNP rs752328633, ClinGen allele CA1939230.
Genomic context (GRCh38, chr2:165,155,802, plus strand): 5'-CATGCTCATTTGGACCTTACCAACTGGTAAAGATTTTCCCAGTAGTCTTGAGTCATGAGT[C>T]GAAATAGAGACAGGAAAGCCCAGCTAAAGGTGTCAAAGCTTGTGTAGCCATAGTTGGGGT-3'
Protein context (NP_008853.3, residues 368-388): TFSWAFLSLF[Arg378Gln]LMTQDYWENL